The following is an entry in ClinVar:

ClinVar aggregate classification (germline): Likely benign (1 of 4 stars; one submission).

Allele frequency attached by ClinVar (database versions not stated): gnomAD 0.00001.
gnomAD v4.1: 3 of 1,591,022 alleles (0.00019%); highest among the groups gnomAD compares: African/African-American, 0.0013%; no homozygotes.

Submission:

GeneDx
Classification: Likely benign. Last evaluated: 2017-01-19. Review status: criteria provided, single submitter. Criteria: GeneDx Variant Classification (06012015). Collection method: clinical testing. Allele origin: germline. Affected: yes.
Comment: This variant is considered likely benign or benign based on one or more of the following criteria: it is a conservative change, it occurs at a poorly conserved position in the protein, it is predicted to be benign by multiple in silico algorithms, and/or has population frequency not consistent with disease.

NM_000387.6(SLC25A20):c.418-3C>T

Gene: SLC25A20 (solute carrier family 25 member 20; minus strand). Cytogenetic location: 3p21.31.
Variant type: single nucleotide variant.
Coding change: c.418-3C>T on transcript NM_000387.6 (MANE Select); 3 bases into the intron before coding-DNA position 418, C replaced by T.
Molecular consequence: intron variant.
Genome position (GRCh38, 1-based): chr3:48,862,662, G>A on the plus strand (C>T on the coding strand, the complement: SLC25A20 is on the minus strand). VCF-style: chr3-48862662-G-A. GRCh37 (hg19) VCF-style: chr3-48900095-G-A.
Identifiers: ClinVar variation 506784 (VCV000506784.1), dbSNP rs200732067, ClinGen allele CA73982614.